The following is an entry in ClinVar:

ClinVar aggregate classification (germline): Uncertain significance (1 of 4 stars; one submission).

Conditions:
Loeys-Dietz syndrome 1 (LDS1). Also called: AORTIC ANEURYSM, FAMILIAL THORACIC 5; TGFBR1-Related Loeys-Dietz Syndrome; FURLONG SYNDROME. Identifiers: Orphanet 60030, MedGen C4551955, MONDO:0012212, OMIM 609192.

Submission:

Juno Genomics, Hangzhou Juno Genomics, Inc
Classification: Uncertain significance for Loeys-Dietz syndrome 1. Review status: criteria provided, single submitter. Criteria: ACMG Guidelines, 2015. Collection method: clinical testing. Allele origin: germline. Affected: yes.
Comment: Absent from controls (or at extremely low frequency if recessive) in Genome Aggregation Database.;Multiple lines of computational evidence support a deleterious effect on the gene or gene product.;Missense variant in a gene that has a low rate of benign missense variation.;Patient's phenotype or family history is highly specific for a disease with a single genetic etiology.

NM_004612.4(TGFBR1):c.143G>A (p.Cys48Tyr)

Gene: TGFBR1 (transforming growth factor beta receptor 1; plus strand). Cytogenetic location: 9q22.33.
Variant type: single nucleotide variant.
Coding change: c.143G>A on transcript NM_004612.4 (MANE Select); coding-DNA position 143, G replaced by A.
Protein change: p.Cys48Tyr; replaces cysteine 48 with tyrosine.
Molecular consequence: missense variant. On other transcripts: 5 prime UTR variant (15), non-coding transcript variant (4), intron variant (3).
Genome position (GRCh38, 1-based): chr9:99,128,900, G>A. VCF-style: chr9-99128900-G-A. GRCh37 (hg19) VCF-style: chr9-101891182-G-A.
Other names: c.143G>A, p.Cys48Tyr (NM_001130916.3, NM_001306210.2, NM_001407416.1 and 2 more transcripts); c.-65G>A (NM_001407418.1, NM_001407419.1, NM_001407420.1 and 12 more transcripts); c.98-3609G>A (NM_001407436.1); c.98-8959G>A (NM_001407438.1); c.98-13636G>A (NM_001407437.1); short protein forms C48Y.
Identifiers: ClinVar variation 5019764 (VCV005019764.1).